The following is an entry in ClinVar:

ClinVar aggregate classification (germline): Uncertain significance. Review status: criteria provided, multiple submitters, no conflicts (2 of 4 stars). 2 submissions from 2 submitters: Uncertain significance (2). Last evaluated 2025-08-01.

Conditions:
Inborn genetic diseases. Identifiers: MedGen C0950123, MeSH D030342.

gnomAD v4.1: 3 of 1,562,672 alleles (0.00019%); highest among the groups gnomAD compares: African/African-American, 0.0041%; no homozygotes.

Submissions (2):

Ambry Genetics
Classification: Uncertain significance for Inborn genetic diseases. Last evaluated: 2025-08-01. Review status: criteria provided, single submitter. Criteria: Ambry Variant Classification Scheme 2023. Collection method: clinical testing. Allele origin: germline.

Labcorp Genetics (formerly Invitae), Labcorp
Classification: Uncertain significance. Last evaluated: 2024-09-27. Review status: criteria provided, single submitter. Criteria: Invitae Variant Classification Sherloc (09022015). Collection method: clinical testing. Allele origin: germline.
Comment: This sequence change replaces phenylalanine, which is neutral and non-polar, with isoleucine, which is neutral and non-polar, at codon 1247 of the MYO18B protein (p.Phe1247Ile). This variant is present in population databases (no rsID available, gnomAD 0.01%). This variant has not been reported in the literature in individuals affected with MYO18B-related conditions. An algorithm developed to predict the effect of missense changes on protein structure and function (PolyPhen-2) suggests that this variant is likely to be tolerated. In summary, the available evidence is currently insufficient to determine the role of this variant in disease. Therefore, it has been classified as a Variant of Uncertain Significance.

NM_032608.7(MYO18B):c.3739T>A (p.Phe1247Ile)

Gene: MYO18B (myosin XVIIIB; plus strand). Cytogenetic location: 22q12.1.
Variant type: single nucleotide variant.
Coding change: c.3739T>A on transcript NM_032608.7 (MANE Select); coding-DNA position 3739, T replaced by A.
Protein change: p.Phe1247Ile; replaces phenylalanine 1247 with isoleucine.
Molecular consequence: missense variant.
Genome position (GRCh38, 1-based): chr22:25,847,616, T>A. VCF-style: chr22-25847616-T-A. GRCh37 (hg19) VCF-style: chr22-26243583-T-A.
Other names: c.3742T>A, p.Phe1248Ile (NM_001318245.2); c.3739T>A (NM_032608.5); short protein forms F1247I, F1248I.
Identifiers: ClinVar variation 3621536 (VCV003621536.3).
Genomic context (GRCh38, chr22:25,847,616, plus strand): 5'-CCTGGGGCAGGTGGACCTCTGGCCCTGGATATCCCAGCACTGAGGGTCCAGCTTGCTGGG[T>A]TCCACATCCTGGAGGCTCTGCGTCTGCATAGGACAGGTAAGAGACAGCTAGGACACAGCA-3'
Protein context (NP_115997.5, residues 1237-1257): IPALRVQLAG[Phe1247Ile]HILEALRLHR